The following is an entry in ClinVar:

NM_006904.7(PRKDC):c.967-71G>A

Gene: PRKDC (protein kinase, DNA-activated, catalytic subunit; minus strand). Cytogenetic location: 8q11.21.
Variant type: single nucleotide variant.
Coding change: c.967-71G>A on transcript NM_006904.7 (MANE Select); 71 bases into the intron before coding-DNA position 967, G replaced by A.
Molecular consequence: intron variant.
Genome position (GRCh38, 1-based): chr8:47,939,768, C>T on the plus strand (G>A on the coding strand, the complement: PRKDC is on the minus strand). VCF-style: chr8-47939768-C-T. GRCh37 (hg19) VCF-style: chr8-48852328-C-T.
Other names: c.967-71G>A (NM_001081640.2).
Identifiers: ClinVar variation 1238761 (VCV001238761.6), dbSNP rs8178016, ClinGen allele CA12927885.

ClinVar aggregate classification (germline): Benign. Review status: criteria provided, multiple submitters, no conflicts (2 of 4 stars). 3 submissions from 3 submitters: Benign (3). Last evaluated 2024-01-24.

Allele frequency attached by ClinVar (database versions not stated): gnomAD exomes 0.06620; gnomAD 0.12040 and 0.12068; TOPMed 0.14305; 1000 Genomes Project 0.16833; 1000 Genomes Project 30x 0.16849.
gnomAD v4.1: 95,198 of 1,300,614 alleles (7.3%); highest among the groups gnomAD compares: Admixed American, 24%; 5,839 homozygotes.

Submissions (3):

Unidad de Genómica Garrahan, Hospital de Pediatría Garrahan
Classification: Benign. Last evaluated: 2024-01-24. Review status: criteria provided, single submitter. Criteria: ACMG Guidelines, 2015. Collection method: clinical testing. Allele origin: germline. Affected: no. Observed: 35 variant alleles.
Comment: This variant is classified as Benign based on local population frequency. This variant was detected in 37% of patients studied by a panel of primary immunodeficiencies. Number of patients: 35. Only high quality variants are reported.

GeneDx
Classification: Benign. Last evaluated: 2018-07-07. Review status: criteria provided, single submitter. Criteria: GeneDx Variant Classification Process June 2021. Collection method: clinical testing. Allele origin: germline. Affected: yes.

Breakthrough Genomics
Classification: Benign. Review status: criteria provided, single submitter. Criteria: ACMG Guidelines, 2015. Collection method: not provided. Allele origin: germline. Inheritance: Autosomal recessive inheritance. Affected: yes.